The following is an entry in ClinVar:

NM_001371928.1(AHDC1):c.3755C>T (p.Ser1252Phe)

Gene: AHDC1 (AT-hook DNA binding motif containing 1; minus strand). Cytogenetic location: 1p36.11.
Variant type: single nucleotide variant.
Coding change: c.3755C>T on transcript NM_001371928.1 (MANE Select); coding-DNA position 3755, C replaced by T.
Protein change: p.Ser1252Phe; replaces serine 1252 with phenylalanine.
Molecular consequence: missense variant.
Genome position (GRCh38, 1-based): chr1:27,548,361, G>A on the plus strand (C>T on the coding strand, the complement: AHDC1 is on the minus strand). VCF-style: chr1-27548361-G-A. GRCh37 (hg19) VCF-style: chr1-27874872-G-A.
Other names: c.3755C>T, p.Ser1252Phe (NM_001029882.3); short protein forms S1252F.
Identifiers: ClinVar variation 3603307 (VCV003603307.1).

ClinVar aggregate classification (germline): Uncertain significance (1 of 4 stars; one submission).

Conditions:
AHDC1-related intellectual disability - obstructive sleep apnea - mild dysmorphism syndrome. Also called: Xia-Gibbs syndrome. Identifiers: Orphanet 412069, MedGen C4014419, MONDO:0014358, OMIM 615829.

Submission:

Neuberg Centre For Genomic Medicine, NCGM
Classification: Uncertain significance for AHDC1-related intellectual disability - obstructive sleep apnea - mild dysmorphism syndrome. Review status: criteria provided, single submitter. Criteria: ACMG Guidelines, 2015. Collection method: clinical testing. Allele origin: germline. Inheritance: Autosomal dominant inheritance. Affected: yes.
Comment: The missense c.3755C>T (p.Ser1252Phe) variant in AHDC1 gene has not been reported previously as a pathogenic variant nor as a benign variant, to our knowledge. The p.Ser1252Phe variant is absent in gnomAD Exomes. This variant has not been submitted to the ClinVar database. Multiple lines of computational evidence (Polyphen - Possibly damaging, SIFT – Damaging and Mutation Taster - Disease causing) predict a damaging effect on protein structure and function for this variant. The reference amino acid at this position on AHDC1 gene is predicted as conserved by GERP++ and PhyloP across 100 vertebrates. The amino acid Ser at position 1252 is changed to a Phe changing protein sequence and it might alter its composition and physico-chemical properties. For these reasons, this variant has been classified as Variant of Uncertain Significance (VUS).